The following is an entry in ClinVar:

ClinVar aggregate classification (germline): Likely pathogenic. Review status: criteria provided, multiple submitters, no conflicts (2 of 4 stars). 3 submissions from 3 submitters: Likely pathogenic (3). Last evaluated 2025-12-08.

Conditions:
Fanconi anemia (FA). Also called: Fanconi's anemia. Identifiers: Orphanet 84, MedGen C0015625, MeSH D005199, MONDO:0019391.
Fanconi anemia complementation group A (FANCA). Also called: FANCA-Related Fanconi Anemia; Fanconi anemia, group A. Identifiers: Orphanet 84, MedGen C3469521, MONDO:0009215, OMIM 227650.

Allele frequency attached by ClinVar (database versions not stated): gnomAD exomes below 0.00001 and 0.00001; gnomAD 0.00001; TOPMed 0.00005.

Submissions (3):

Labcorp Genetics (formerly Invitae), Labcorp
Classification: Likely pathogenic for Fanconi anemia. Last evaluated: 2025-12-08. Review status: criteria provided, single submitter. Criteria: Invitae Variant Classification Sherloc (09022015). Collection method: clinical testing. Allele origin: germline.
Comment: This sequence change affects a splice site in intron 40 of the FANCA gene. It is expected to disrupt RNA splicing. Variants that disrupt the donor or acceptor splice site typically lead to a loss of protein function (PMID: 16199547), and loss-of-function variants in FANCA are known to be pathogenic (PMID: 19367192). This variant is present in population databases (no rsID available, gnomAD 0.01%). Disruption of this splice site has been observed in individual(s) with neuroblastoma (PMID: 34308366). ClinVar contains an entry for this variant (Variation ID: 995895). Algorithms developed to predict the effect of sequence changes on RNA splicing suggest that this variant may disrupt the consensus splice site. In summary, the currently available evidence indicates that the variant is pathogenic, but additional data are needed to prove that conclusively. Therefore, this variant has been classified as Likely Pathogenic.

Natera, Inc.
Classification: Likely pathogenic for Fanconi anemia. Last evaluated: 2024-03-29. Review status: criteria provided, single submitter. Criteria: Natera Variant Classification Schema (03/2026). Collection method: clinical testing. Allele origin: germline.
Comment: The c.4011-3_4011-2delTA variant in FANCA is a deletion affecting a canonical splice acceptor site. This variant is expected to result in nonsense mediated decay, truncation, or a dysfunctional protein product. This variant is rare in the general population with a frequency below the threshold expected for the associated phenotype(s). Given the available evidence, this variant is classified as Likely Pathogenic.

Department of Pediatrics, Memorial Sloan Kettering Cancer Center
Classification: Likely pathogenic for Fanconi anemia complementation group A. Last evaluated: 2020-12-15. Review status: criteria provided, single submitter. Criteria: ACMG Guidelines, 2015. Collection method: research. Allele origin: germline. Affected: no.

Literature cited by the submitters: PubMed 16199547 (cited by Labcorp Genetics (formerly Invitae), Labcorp); PubMed 19367192 (cited by Labcorp Genetics (formerly Invitae), Labcorp); PubMed 34308366 (cited by Labcorp Genetics (formerly Invitae), Labcorp); PubMed 28873162 (cited by Department of Pediatrics, Memorial Sloan Kettering Cancer Center).

NM_000135.4(FANCA):c.4011-3_4011-2del

Genes: ZNF276 (zinc finger protein 276; plus strand), FANCA (FA complementation group A; minus strand). Cytogenetic location: 16q24.3.
Variant type: Deletion.
Coding change: c.4011-3_4011-2del on transcript NM_000135.4 (MANE Select); 3 bases into the intron before coding-DNA position 4011 through the canonical splice acceptor site of the intron before coding-DNA position 4011, 2 bases deleted (TA; older notation c.4011-3_4011-2delTA).
Molecular consequence: splice acceptor variant. On other transcripts: 3 prime UTR variant (2), non-coding transcript variant (4).
Genome position (GRCh38, 1-based): chr16:89,739,291-89,739,292, TA deleted on the plus strand (TA on the coding strand, the reverse complement: FANCA is on the minus strand). VCF-style (leftmost placement, unchanged base first): chr16-89739290-CTA-C. GRCh37 (hg19) VCF-style: chr16-89805698-CTA-C.
Other names: c.4011-3_4011-2delTA (NM_000135.3, NM_000135.4); c.*1045_*1046del (NM_001113525.2, NM_152287.4); c.4011-3_4011-2del (NM_001286167.3).
Identifiers: ClinVar variation 995895 (VCV000995895.5), dbSNP rs911481295, ClinGen allele CA286614754.